The following is an entry in ClinVar:

ClinVar aggregate classification (germline): Uncertain significance (1 of 4 stars; one submission).

Conditions:
Candidiasis, familial, 9 (CANDF9). Identifiers: Orphanet 1334, MedGen C4225324, MONDO:0014642, OMIM 616445.

Allele frequency attached by ClinVar (database versions not stated): gnomAD exomes below 0.00001.
gnomAD v4.1: 1 of 1,612,142 alleles (0.000062%); highest among the groups gnomAD compares: Admixed American, 0.0017%; no homozygotes.

Submission:

Labcorp Genetics (formerly Invitae), Labcorp
Classification: Uncertain significance for Candidiasis, familial, 9. Last evaluated: 2023-05-30. Review status: criteria provided, single submitter. Criteria: Invitae Variant Classification Sherloc (09022015). Collection method: clinical testing. Allele origin: germline.
Comment: ClinVar contains an entry for this variant (Variation ID: 1061981). This sequence change replaces proline, which is neutral and non-polar, with leucine, which is neutral and non-polar, at codon 715 of the IL17RC protein (p.Pro715Leu). This variant is not present in population databases (gnomAD no frequency). This variant has not been reported in the literature in individuals affected with IL17RC-related conditions. An algorithm developed to predict the effect of missense changes on protein structure and function (PolyPhen-2) suggests that this variant is likely to be disruptive. In summary, the available evidence is currently insufficient to determine the role of this variant in disease. Therefore, it has been classified as a Variant of Uncertain Significance.

NM_153460.4(IL17RC):c.1931C>T (p.Pro644Leu)

Gene: IL17RC (interleukin 17 receptor C; plus strand). Cytogenetic location: 3p25.3.
Variant type: single nucleotide variant.
Coding change: c.1931C>T on transcript NM_153460.4 (MANE Select); coding-DNA position 1931, C replaced by T.
Protein change: p.Pro644Leu; replaces proline 644 with leucine.
Molecular consequence: missense variant. On other transcripts: non-coding transcript variant (1).
Genome position (GRCh38, 1-based): chr3:9,933,361, C>T. VCF-style: chr3-9933361-C-T. GRCh37 (hg19) VCF-style: chr3-9975045-C-T.
Other names: c.1892C>T, p.Pro631Leu (NM_001203263.2); c.1841C>T, p.Pro614Leu (NM_001203264.2); c.1835C>T, p.Pro612Leu (NM_001203265.2); c.1853C>T, p.Pro618Leu (NM_001367278.1); c.1772C>T, p.Pro591Leu (NM_001367279.1); c.1847C>T, p.Pro616Leu (NM_001367280.1); c.1886C>T, p.Pro629Leu (NM_032732.6); c.2144C>T, p.Pro715Leu (NM_153461.4); short protein forms P591L, P612L, P614L, P616L, P618L, P629L, P631L, P644L.
Identifiers: ClinVar variation 1061981 (VCV001061981.5), dbSNP rs2125320503, ClinGen allele CA351708383.